The following is an entry in ClinVar:

ClinVar aggregate classification (germline): Uncertain significance (1 of 4 stars; one submission).

gnomAD v4.1: 169 of 1,599,578 alleles (0.011%); highest among the groups gnomAD compares: Non-Finnish European, 0.014%; no homozygotes.

Submission:

Labcorp Genetics (formerly Invitae), Labcorp
Classification: Uncertain significance. Last evaluated: 2024-02-22. Review status: criteria provided, single submitter. Criteria: Invitae Variant Classification Sherloc (09022015). Collection method: clinical testing. Allele origin: germline.
Comment: This sequence change replaces glutamic acid, which is acidic and polar, with lysine, which is basic and polar, at codon 1904 of the MYH7B protein (p.Glu1904Lys). This variant is present in population databases (rs376266504, gnomAD 0.01%). This variant has not been reported in the literature in individuals affected with MYH7B-related conditions. Advanced modeling of protein sequence and biophysical properties (such as structural, functional, and spatial information, amino acid conservation, physicochemical variation, residue mobility, and thermodynamic stability) performed at Invitae indicates that this missense variant is expected to disrupt MYH7B protein function with a positive predictive value of 80%. In summary, the available evidence is currently insufficient to determine the role of this variant in disease. Therefore, it has been classified as a Variant of Uncertain Significance.

NM_020884.7(MYH7B):c.5584G>A (p.Glu1862Lys)

Gene: MYH7B (myosin heavy chain 7B; plus strand). Cytogenetic location: 20q11.22.
Variant type: single nucleotide variant.
Coding change: c.5584G>A on transcript NM_020884.7 (MANE Select); coding-DNA position 5584, G replaced by A.
Protein change: p.Glu1862Lys; replaces glutamic acid 1862 with lysine.
Molecular consequence: missense variant.
Genome position (GRCh38, 1-based): chr20:35,001,434, G>A. VCF-style: chr20-35001434-G-A. GRCh37 (hg19) VCF-style: chr20-33589237-G-A.
Other names: short protein forms E1862K.
Identifiers: ClinVar variation 3649990 (VCV003649990.2).